The following is an entry in ClinVar:

ClinVar aggregate classification (germline): Uncertain significance (1 of 4 stars; one submission).

Conditions:
Complex cortical dysplasia with other brain malformations 3. Identifiers: MedGen C3809414, MONDO:0014170, OMIM 615411.

Submission:

Laboratorio de Genetica e Diagnostico Molecular, Hospital Israelita Albert Einstein
Classification: Uncertain significance for Complex cortical dysplasia with other brain malformations 3. Last evaluated: 2025-08-26. Review status: criteria provided, single submitter. Criteria: ACMG Guidelines, 2015. Collection method: clinical testing. Allele origin: germline. Affected: yes.
Comment: ACMG classification criteria: PM2 supporting, PP3 supporting

NM_001098511.3(KIF2A):c.458-11T>G

Gene: KIF2A (kinesin family member 2A; plus strand). Cytogenetic location: 5q12.1.
Variant type: single nucleotide variant.
Coding change: c.458-11T>G on transcript NM_001098511.3 (MANE Select); 11 bases into the intron before coding-DNA position 458, T replaced by G.
Molecular consequence: intron variant.
Genome position (GRCh38, 1-based): chr5:62,353,264, T>G. VCF-style: chr5-62353264-T-G. GRCh37 (hg19) VCF-style: chr5-61649091-T-G.
Other names: c.377-11T>G (NM_001243952.2); c.458-11T>G (NM_004520.5); c.401-11T>G (NM_001243953.2).
Identifiers: ClinVar variation 4846836 (VCV004846836.1).
Genomic context (GRCh38, chr5:62,353,264, plus strand): 5'-CATAAAAAAAGTTTAATATTAGTACTCTAAAAAAGAAAACTATACTTCTACAGCTCATCT[T>G]TTCTTTTCAGCACGTAGAAAATCTAATTGTGTGAAAGAAGTAGAAAAACTGCAAGAAAAA-3'